The following is an entry in ClinVar:

ClinVar aggregate classification (germline): Uncertain significance (1 of 4 stars; one submission).

Conditions:
Birt-Hogg-Dube syndrome. Also called: Birt Hogg Dubé syndrome. Identifiers: Orphanet 122, MedGen C0346010, MONDO:0800444.

Submission:

Labcorp Genetics (formerly Invitae), Labcorp
Classification: Uncertain significance for Birt-Hogg-Dube syndrome. Last evaluated: 2025-12-13. Review status: criteria provided, single submitter. Criteria: Invitae Variant Classification Sherloc (09022015). Collection method: clinical testing. Allele origin: germline.
Comment: This variant, c.329_334del, results in the deletion of 2 amino acid(s) of the FLCN protein (p.Gln110_His111del), but otherwise preserves the integrity of the reading frame. This variant is present in population databases (no rsID available, gnomAD 0.003%). This variant has not been reported in the literature in individuals affected with FLCN-related conditions. Experimental studies and prediction algorithms are not available or were not evaluated, and the functional significance of this variant is currently unknown. In summary, the available evidence is currently insufficient to determine the role of this variant in disease. Therefore, it has been classified as a Variant of Uncertain Significance.

NM_144997.7(FLCN):c.329_334del (p.Gln110_His111del)

Gene: FLCN (folliculin; minus strand). Cytogenetic location: 17p11.2.
Variant type: Deletion.
Coding change: c.329_334del on transcript NM_144997.7 (MANE Select); coding-DNA positions 329 to 334, 6 bases deleted (AGCACC; older notation c.329_334delAGCACC).
Protein change: p.Gln110_His111del.
Molecular consequence: inframe deletion.
Genome position (GRCh38, 1-based): chr17:17,226,238-17,226,243, GGTGCT deleted on the plus strand (AGCACC on the coding strand, the reverse complement: FLCN is on the minus strand); deleting any 6 consecutive bases within chr17:17,226,238-17,226,247 gives the same sequence; the c. name uses the placement nearest the transcript's 3' end. VCF-style (leftmost placement, unchanged base first): chr17-17226237-GGGTGCT-G. GRCh37 (hg19) VCF-style: chr17-17129551-GGGTGCT-G.
Other names: c.329_334del, p.Gln110_His111del (NM_001353229.2, NM_001353230.2, NM_001353231.2 and 1 more transcripts).
Identifiers: ClinVar variation 4708171 (VCV004708171.1).